The following is an entry in ClinVar:

NM_004186.5(SEMA3F):c.1465A>G (p.Thr489Ala)

Gene: SEMA3F (semaphorin 3F; plus strand). Cytogenetic location: 3p21.31.
Variant type: single nucleotide variant.
Coding change: c.1465A>G on transcript NM_004186.5 (MANE Select); coding-DNA position 1465, A replaced by G.
Protein change: p.Thr489Ala; replaces threonine 489 with alanine.
Molecular consequence: missense variant.
Genome position (GRCh38, 1-based): chr3:50,185,451, A>G. VCF-style: chr3-50185451-A-G. GRCh37 (hg19) VCF-style: chr3-50222884-A-G.
Other names: c.1168A>G, p.Thr390Ala (NM_001318798.2); c.1372A>G, p.Thr458Ala (NM_001318800.2); short protein forms T390A, T458A, T489A.
Identifiers: ClinVar variation 3355480 (VCV003355480.1).

ClinVar aggregate classification (germline): Uncertain significance (0 of 4 stars; one submission).

Conditions:
SEMA3F-related disorder. Also called: SEMA3F-related condition.

gnomAD v4.1: 4 of 1,608,352 alleles (0.00025%); highest among the groups gnomAD compares: Admixed American, 0.0067%; no homozygotes.

Submission:

PreventionGenetics, part of Exact Sciences
Classification: Uncertain significance for SEMA3F-related condition. Last evaluated: 2024-08-05. Review status: no assertion criteria provided. Collection method: clinical testing. Allele origin: germline.
Comment: The SEMA3F c.1465A>G variant is predicted to result in the amino acid substitution p.Thr489Ala. To our knowledge, this variant has not been reported in the literature. This variant is reported in 0.012% of alleles in individuals of Latino descent in gnomAD. At this time, the clinical significance of this variant is uncertain due to the absence of conclusive functional and genetic evidence.